The following is an entry in ClinVar:

NM_000038.6(APC):c.5040G>C (p.Gln1680His)

Gene: APC (APC regulator of Wnt signaling pathway; plus strand). Cytogenetic location: 5q22.2.
Variant type: single nucleotide variant.
Coding change: c.5040G>C on transcript NM_000038.6 (MANE Select); coding-DNA position 5040, G replaced by C.
Protein change: p.Gln1680His; replaces glutamine 1680 with histidine.
Molecular consequence: missense variant. On other transcripts: non-coding transcript variant (2).
Genome position (GRCh38, 1-based): chr5:112,840,634, G>C. VCF-style: chr5-112840634-G-C. GRCh37 (hg19) VCF-style: chr5-112176331-G-C.
Other names: c.5040G>C, p.Gln1680His (NM_001127510.3, NM_001354895.2, NM_001407450.1); c.4986G>C, p.Gln1662His (NM_001127511.3); c.5094G>C, p.Gln1698His (NM_001354896.2, NM_001407447.1, NM_001407448.1 and 1 more transcripts); c.5070G>C, p.Gln1690His (NM_001354897.2); c.4965G>C, p.Gln1655His (NM_001354898.2); c.4956G>C, p.Gln1652His (NM_001354899.2); c.4917G>C, p.Gln1639His (NM_001354900.2); c.4863G>C, p.Gln1621His (NM_001354901.2, NM_001407453.1); and 11 more; short protein forms Q1296H, Q1673H, Q1680H, Q1690H, Q1397H, Q1551H, Q1589H, Q1639H.
Identifiers: ClinVar variation 5025221 (VCV005025221.1).
Genomic context (GRCh38, chr5:112,840,634, plus strand): 5'-AACAATCGAATCCCCTCCAAATGAGTTAGCTGCTGGAGAAGGAGTTAGAGGAGGGGCACA[G>C]TCAGGTGAATTTGAAAAACGAGATACCATTCCTACAGAAGGCAGAAGTACAGATGAGGCT-3'
Protein context (NP_000029.2, residues 1670-1690): AAGEGVRGGA[Gln1680His]SGEFEKRDTI

ClinVar aggregate classification (germline): Uncertain significance (1 of 4 stars; one submission).

Conditions:
Hereditary cancer-predisposing syndrome. Also called: Neoplastic Syndromes, Hereditary; Tumor predisposition; Hereditary neoplastic syndrome; Hereditary Cancer Syndrome. Identifiers: Orphanet 140162, MedGen C0027672, MeSH D009386, MONDO:0015356.

Submission:

Ambry Genetics
Classification: Uncertain significance for Hereditary cancer-predisposing syndrome. Last evaluated: 2026-07-07. Review status: criteria provided, single submitter. Criteria: Ambry Variant Classification Scheme 2023. Collection method: clinical testing. Allele origin: germline.
Comment: The p.Q1680H variant (also known as c.5040G>C), located in coding exon 15 of the APC gene, results from a G to C substitution at nucleotide position 5040. The glutamine at codon 1680 is replaced by histidine, an amino acid with highly similar properties. This amino acid position is conserved. In addition, in silico predictors for this gene do not accurately predict pathogenicity. Based on the available evidence, the clinical significance of this variant remains unclear.